The following is an entry in ClinVar:

NM_024854.5(PYROXD1):c.52G>A (p.Gly18Ser)

Genes: PYROXD1 (pyridine nucleotide-disulphide oxidoreductase domain 1; plus strand), LOC130007527 (ATAC-STARR-seq lymphoblastoid active region 6087; plus strand). Cytogenetic location: 12p12.1.
Variant type: single nucleotide variant.
Coding change: c.52G>A on transcript NM_024854.5 (MANE Select); coding-DNA position 52, G replaced by A.
Protein change: p.Gly18Ser; replaces glycine 18 with serine.
Molecular consequence: missense variant. On other transcripts: 5 prime UTR variant (1).
Genome position (GRCh38, 1-based): chr12:21,437,782, G>A. VCF-style: chr12-21437782-G-A. GRCh37 (hg19) VCF-style: chr12-21590716-G-A.
Other names: c.-652G>A (NM_001350913.2); short protein forms G18S.
Identifiers: ClinVar variation 1976363 (VCV001976363.3), dbSNP rs1012852064, ClinGen allele CA384298144.

ClinVar aggregate classification (germline): Uncertain significance (1 of 4 stars; one submission).

Allele frequency attached by ClinVar (database versions not stated): gnomAD exomes below 0.00001.
gnomAD v4.1: 2 of 1,613,066 alleles (0.00012%); highest among the groups gnomAD compares: Admixed American, 0.0033%; no homozygotes.

Submission:

Labcorp Genetics (formerly Invitae), Labcorp
Classification: Uncertain significance. Last evaluated: 2022-07-15. Review status: criteria provided, single submitter. Criteria: Invitae Variant Classification Sherloc (09022015). Collection method: clinical testing. Allele origin: germline.
Comment: In summary, the available evidence is currently insufficient to determine the role of this variant in disease. Therefore, it has been classified as a Variant of Uncertain Significance. Algorithms developed to predict the effect of missense changes on protein structure and function are either unavailable or do not agree on the potential impact of this missense change (SIFT: "Deleterious"; PolyPhen-2: "Probably Damaging"; Align-GVGD: "Class C0"). This variant has not been reported in the literature in individuals affected with PYROXD1-related conditions. This variant is present in population databases (no rsID available, gnomAD 0.006%). This sequence change replaces glycine, which is neutral and non-polar, with serine, which is neutral and polar, at codon 18 of the PYROXD1 protein (p.Gly18Ser).